The following is an entry in ClinVar:

NM_020312.4(COQ9):c.884A>C (p.Glu295Ala)

Gene: COQ9 (coenzyme Q9; plus strand). Cytogenetic location: 16q21.
Variant type: single nucleotide variant.
Coding change: c.884A>C on transcript NM_020312.4 (MANE Select); coding-DNA position 884, A replaced by C.
Protein change: p.Glu295Ala; replaces glutamic acid 295 with alanine.
Molecular consequence: missense variant.
Genome position (GRCh38, 1-based): chr16:57,460,067, A>C. VCF-style: chr16-57460067-A-C. GRCh37 (hg19) VCF-style: chr16-57493979-A-C.
Other names: short protein forms E295A.
Identifiers: ClinVar variation 2880684 (VCV002880684.1), dbSNP rs1332827608, ClinGen allele CA396030470.

ClinVar aggregate classification (germline): Uncertain significance (1 of 4 stars; one submission).

Allele frequency attached by ClinVar (database versions not stated): TOPMed 0.00001; gnomAD 0.00002.

Submission:

Labcorp Genetics (formerly Invitae), Labcorp
Classification: Uncertain significance. Last evaluated: 2023-12-31. Review status: criteria provided, single submitter. Criteria: Invitae Variant Classification Sherloc (09022015). Collection method: clinical testing. Allele origin: germline.
Comment: This sequence change replaces glutamic acid, which is acidic and polar, with alanine, which is neutral and non-polar, at codon 295 of the COQ9 protein (p.Glu295Ala). This variant is present in population databases (no rsID available, gnomAD 0.01%). This variant has not been reported in the literature in individuals affected with COQ9-related conditions. An algorithm developed to predict the effect of missense changes on protein structure and function (PolyPhen-2) suggests that this variant¬†is likely to be tolerated. In summary, the available evidence is currently insufficient to determine the role of this variant in disease. Therefore, it has been classified as a Variant of Uncertain Significance.